The following is an entry in ClinVar:

NM_001384140.1(PCDH15):c.2811G>A (p.Pro937=)

Gene: PCDH15 (protocadherin related 15; minus strand). Cytogenetic location: 10q21.1.
Variant type: single nucleotide variant.
Coding change: c.2811G>A on transcript NM_001384140.1 (MANE Select); coding-DNA position 2811, G replaced by A.
Protein change: p.Pro937=; no amino-acid change (proline 937 retained).
Molecular consequence: synonymous variant.
Genome position (GRCh38, 1-based): chr10:53,995,706, C>T on the plus strand (G>A on the coding strand, the complement: PCDH15 is on the minus strand). VCF-style: chr10-53995706-C-T. GRCh37 (hg19) VCF-style: chr10-55755466-C-T.
Other names: c.2826G>A, p.Pro942= (NM_001142763.2, NM_001142771.2); c.2811G>A, p.Pro937= (NM_001142764.2, NM_001142766.2, NM_001142770.3 and 5 more transcripts); c.2598G>A, p.Pro866= (NM_001142765.2); c.2700G>A, p.Pro900= (NM_001142767.2); c.2745G>A, p.Pro915= (NM_001142768.2, NM_001142773.2, NM_001354404.2); c.2847G>A, p.Pro949= (NM_001142769.4); c.2832G>A, p.Pro944= (NM_001354411.2).
Identifiers: ClinVar variation 505532 (VCV000505532.13), dbSNP rs1449039709, ClinGen allele CA469493478.

ClinVar aggregate classification (germline): Likely benign. Review status: criteria provided, multiple submitters, no conflicts (2 of 4 stars). 2 submissions from 2 submitters: Likely benign (2). Last evaluated 2025-02-13.

Allele frequency attached by ClinVar (database versions not stated): gnomAD exomes 0.00001; gnomAD 0.00003 and 0.00004; TOPMed 0.00009.
gnomAD v4.1: 16 of 1,613,702 alleles (0.00099%); highest among the groups gnomAD compares: African/African-American, 0.0053%; no homozygotes.

Submissions (2):

Labcorp Genetics (formerly Invitae), Labcorp
Classification: Likely benign. Last evaluated: 2025-02-13. Review status: criteria provided, single submitter. Criteria: Invitae Variant Classification Sherloc (09022015). Collection method: clinical testing. Allele origin: germline.

Laboratory for Molecular Medicine, Mass General Brigham Personalized Medicine
Classification: Likely benign. Last evaluated: 2017-01-19. Review status: criteria provided, single submitter. Criteria: LMM Criteria. Collection method: clinical testing. Allele origin: germline. Observed: 1 variant allele.
Comment: p.Pro937Pro in exon 21 of PCDH15: This variant is not expected to have clinical significance because it does not alter an amino acid residue and is not located within the splice consensus sequence.